The following is an entry in ClinVar:

ClinVar aggregate classification (germline): Uncertain significance. Review status: criteria provided, multiple submitters, no conflicts (2 of 4 stars). 5 submissions from 5 submitters: Uncertain significance (5). Last evaluated 2026-03-24.

Conditions:
Inborn genetic diseases. Identifiers: MedGen C0950123, MeSH D030342.
SLC12A6-related disorder. Also called: SLC12A6-related condition.

Allele frequency attached by ClinVar (database versions not stated): ExAC 0.00003; gnomAD 0.00005 and 0.00006; gnomAD exomes 0.00006 and 0.00009; TOPMed 0.00006.
gnomAD v4.1: 130 of 1,613,914 alleles (0.0081%); highest among the groups gnomAD compares: Non-Finnish European, 0.011%; no homozygotes.

Submissions (5):

PreventionGenetics, part of Exact Sciences
Classification: Uncertain significance for SLC12A6-related condition. Last evaluated: 2026-03-24. Review status: criteria provided, single submitter. Criteria: ACMG Guidelines, 2015. Collection method: clinical testing. Allele origin: germline.
Comment: The SLC12A6 c.1778G>A variant is predicted to result in the amino acid substitution p.Arg593Lys. To our knowledge, this variant has not been reported in the literature. This variant is reported in 0.013% of alleles in individuals of European (non-Finnish) descent in gnomAD. At this time, the clinical significance of this variant is uncertain due to the absence of conclusive functional and genetic evidence.

GeneDx
Classification: Uncertain significance. Last evaluated: 2025-06-06. Review status: criteria provided, single submitter. Criteria: GeneDx Variant Classification Process June 2021. Collection method: clinical testing. Allele origin: germline. Affected: yes.
Comment: In silico analysis supports that this missense variant has a deleterious effect on protein structure/function; Has not been previously published as pathogenic or benign to our knowledge

Labcorp Genetics (formerly Invitae), Labcorp
Classification: Uncertain significance. Last evaluated: 2025-01-06. Review status: criteria provided, single submitter. Criteria: Invitae Variant Classification Sherloc (09022015). Collection method: clinical testing. Allele origin: germline.
Comment: This sequence change replaces arginine, which is basic and polar, with lysine, which is basic and polar, at codon 593 of the SLC12A6 protein (p.Arg593Lys). This variant is present in population databases (rs779664776, gnomAD 0.01%). This variant has not been reported in the literature in individuals affected with SLC12A6-related conditions. ClinVar contains an entry for this variant (Variation ID: 1379296). Invitae Evidence Modeling of protein sequence and biophysical properties (such as structural, functional, and spatial information, amino acid conservation, physicochemical variation, residue mobility, and thermodynamic stability) indicates that this missense variant is expected to disrupt SLC12A6 protein function with a positive predictive value of 80%. In summary, the available evidence is currently insufficient to determine the role of this variant in disease. Therefore, it has been classified as a Variant of Uncertain Significance.

Blueprint Genetics
Classification: Uncertain significance. Last evaluated: 2024-06-19. Review status: criteria provided, single submitter. Criteria: ACMG Guidelines, 2015. Collection method: clinical testing. Allele origin: germline.

Ambry Genetics
Classification: Uncertain significance for Inborn genetic diseases. Last evaluated: 2023-02-14. Review status: criteria provided, single submitter. Criteria: Ambry Variant Classification Scheme 2023. Collection method: clinical testing. Allele origin: germline.

NM_001365088.1(SLC12A6):c.1778G>A (p.Arg593Lys)

Gene: SLC12A6 (solute carrier family 12 member 6; minus strand). Cytogenetic location: 15q14.
Variant type: single nucleotide variant.
Coding change: c.1778G>A on transcript NM_001365088.1 (MANE Select); coding-DNA position 1778, G replaced by A.
Protein change: p.Arg593Lys; replaces arginine 593 with lysine.
Molecular consequence: missense variant.
Genome position (GRCh38, 1-based): chr15:34,245,739, C>T on the plus strand (G>A on the coding strand, the complement: SLC12A6 is on the minus strand). VCF-style: chr15-34245739-C-T. GRCh37 (hg19) VCF-style: chr15-34537940-C-T.
Other names: c.1601G>A, p.Arg534Lys (NM_001042494.2, NM_001042495.2); c.1751G>A, p.Arg584Lys (NM_001042496.2); c.1733G>A, p.Arg578Lys (NM_001042497.2); c.1625G>A, p.Arg542Lys (NM_005135.2); c.1778G>A, p.Arg593Lys (NM_133647.2); short protein forms R534K, R578K, R542K, R584K, R593K.
Identifiers: ClinVar variation 1379296 (VCV001379296.9), dbSNP rs779664776, ClinGen allele CA7464226.